The following is an entry in ClinVar:

ClinVar aggregate classification (germline): Uncertain significance (1 of 4 stars; one submission).

Submission:

Labcorp Genetics (formerly Invitae), Labcorp
Classification: Uncertain significance. Last evaluated: 2022-05-04. Review status: criteria provided, single submitter. Criteria: Invitae Variant Classification Sherloc (09022015). Collection method: clinical testing. Allele origin: germline.
Comment: In summary, the available evidence is currently insufficient to determine the role of this variant in disease. Therefore, it has been classified as a Variant of Uncertain Significance. Variants that disrupt the consensus splice site are a relatively common cause of aberrant splicing (PMID: 17576681, 9536098). Algorithms developed to predict the effect of sequence changes on RNA splicing suggest that this variant may disrupt the consensus splice site. This variant has not been reported in the literature in individuals affected with ABCA4-related conditions. This variant is not present in population databases (gnomAD no frequency). This sequence change falls in intron 13 of the ABCA4 gene. It does not directly change the encoded amino acid sequence of the ABCA4 protein. It affects a nucleotide within the consensus splice site.

Literature cited by the submitters: PubMed 17576681; PubMed 9536098.

NM_000350.3(ABCA4):c.1937+4A>T

Gene: ABCA4 (ATP binding cassette subfamily A member 4; minus strand). Cytogenetic location: 1p22.1.
Variant type: single nucleotide variant.
Coding change: c.1937+4A>T on transcript NM_000350.3 (MANE Select); 4 bases into the intron after coding-DNA position 1937, A replaced by T.
Molecular consequence: intron variant.
Genome position (GRCh38, 1-based): chr1:94,062,573, T>A on the plus strand (A>T on the coding strand, the complement: ABCA4 is on the minus strand). VCF-style: chr1-94062573-T-A. GRCh37 (hg19) VCF-style: chr1-94528129-T-A.
Identifiers: ClinVar variation 2133726 (VCV002133726.4), dbSNP rs2523840986, ClinGen allele CA2574438570.